The following is an entry in ClinVar:

ClinVar aggregate classification (germline): Likely benign (1 of 4 stars; one submission).

gnomAD v4.1: 1 of 1,613,782 alleles (0.000062%); highest among the groups gnomAD compares: African/African-American, 0.0013%; no homozygotes.

Submission:

CeGaT Center for Human Genetics Tuebingen
Classification: Likely benign. Last evaluated: 2023-01-01. Review status: criteria provided, single submitter. Criteria: CeGaT Center For Human Genetics Tuebingen Variant Classification Criteria Version 2. Collection method: clinical testing. Allele origin: germline. Affected: yes. Observed: 1 variant allele.
Comment: MUC4: BP4, BP7

NM_018406.7(MUC4):c.2787C>G (p.Thr929=)

Gene: MUC4 (mucin 4, cell surface associated). Cytogenetic location: 3q29.
Variant type: single nucleotide variant.
Coding change: c.2787C>G on transcript NM_018406.7 (MANE Select); coding-DNA position 2787, C replaced by G.
Protein change: p.Thr929=; no amino-acid change (threonine 929 retained).
Molecular consequence: synonymous variant. On other transcripts: genic upstream transcript variant (2).
Genome position (GRCh38, 1-based): chr3:195,788,793, G>C on the plus strand (C>G on the coding strand, the complement: MUC4 is on the minus strand). VCF-style: chr3-195788793-G-C. GRCh37 (hg19) VCF-style: chr3-195515664-G-C.
Other names: c.2802C>G, p.Thr934= (NM_001322468.1); c.83-14488C>G (NM_138297.5); c.83-10338C>G (NM_004532.6).
Identifiers: ClinVar variation 2654485 (VCV002654485.24), dbSNP rs561801234, ClinGen allele CA90788452.